The following continues an entry in ClinVar:

NM_000535.7(PMS2):c.989-2A>G

Gene: PMS2. ClinVar aggregate classification (germline): Likely pathogenic. Likely pathogenic (1).

Submissions 11 to 13 of 13:

ARUP Laboratories, Molecular Genetics and Genomics, ARUP Laboratories
Classification: Pathogenic. Last evaluated: 2022-08-16. Review status: criteria provided, single submitter. Criteria: ARUP Molecular Germline Variant Investigation Process 2021. Collection method: clinical testing. Allele origin: germline. Not counted in ClinVar's aggregate classification.
Comment: The PMS2 c.989-2A>G variant (rs587779347) is reported in the literature in individuals and families affected with Lynch syndrome or other cancers (Bonache 2018, Borras 2013, Suerink 2016, Wang 2020). This variant is also reported in ClinVar (Variation ID: 91386), but is absent from the Genome Aggregation Database, indicating it is not a common polymorphism. This variant disrupts the canonical splice acceptor site of intron 9, which is likely to negatively impact gene function. Furthermore, in vitro functional analyses demonstrate exon 10 skipping, which leads to an in-frame deletion but removes part of the binding domain (Bonache 2018, Borras 2013, van der Klift 2015). Based on available information, this variant is considered to be pathogenic. References: Bonache S et al. Multigene panel testing beyond BRCA1/2 in breast/ovarian cancer Spanish families and clinical actionability of findings. J Cancer Res Clin Oncol. 2018 Dec;144(12):2495-2513. PMID: 30306255. Borras E et al. Refining the role of PMS2 in Lynch syndrome: germline mutational analysis improved by comprehensive assessment of variants. J Med Genet. 2013 Aug;50(8):552-63. PMID: 23709753. Suerink M et al. The effect of genotypes and parent of origin on cancer risk and age of cancer development in PMS2 mutation carriers. Genet Med. 2016 Apr;18(4):405-9. PMID: 26110232. van der Klift HM et al. Splicing analysis for exonic and intronic mismatch repair gene variants associated with Lynch syndrome confirms high concordance between minigene assays and patient RNA analyses. Mol Genet Genomic Med. 2015 Jul;3(4):327-45. PMID: 26247049. Wang Q et al. Characterisation of heterozygous PMS2 variants in French patients with Lynch syndrome. J Med Genet. 2020 Jul;57(7):487-499. PMID: 31992580.

Department of Pediatrics, Memorial Sloan Kettering Cancer Center
Classification: Likely pathogenic for Mismatch repair cancer syndrome 4. Last evaluated: 2020-12-15. Review status: criteria provided, single submitter. Criteria: ACMG Guidelines, 2015. Collection method: research. Allele origin: germline. Affected: no. Not counted in ClinVar's aggregate classification.

Dr. Peter K. Rogan Lab, Western University
No classification provided (evidence only). Condition: Lung cancer. Review status: no classification provided. Collection method: in vitro. Allele origin: not applicable. Functional consequence: skipped exon. Not counted in ClinVar's aggregate classification.

Literature cited by the submitters: PubMed 23709753 (cited by 3 submitters); PubMed 26110232 (cited by Labcorp Genetics (formerly Invitae), Labcorp and Ambry Genetics); PubMed 30306255 (cited by 5 submitters); PubMed 31992580 (cited by 4 submitters); PubMed 26247049 (cited by 4 submitters); PubMed 33693762 (cited by Color Diagnostics, LLC DBA Color Health and Quest Diagnostics Nichols Institute San Juan Capistrano); PubMed 34308366 (cited by Quest Diagnostics Nichols Institute San Juan Capistrano); PubMed 28873162 (cited by Department of Pediatrics, Memorial Sloan Kettering Cancer Center).